The following is an entry in ClinVar:

NM_001369.3(DNAH5):c.12615_12616insCATTAAAGTCCGCT (p.Trp4206delinsHisTer)

Gene: DNAH5 (dynein axonemal heavy chain 5; minus strand). Cytogenetic location: 5p15.2.
Variant type: Insertion.
Coding change: c.12615_12616insCATTAAAGTCCGCT on transcript NM_001369.3 (MANE Select); coding-DNA positions 12615 to 12616, CATTAAAGTCCGCT inserted.
Protein change: p.Trp4206delinsHisTer.
Molecular consequence: nonsense.
Genome position: GRCh38 VCF-style: chr5-13717404-A-AAGCGGACTTTAATG. GRCh37 (hg19) VCF-style: chr5-13717513-A-AAGCGGACTTTAATG.
Identifiers: ClinVar variation 5010496 (VCV005010496.1).
Genomic context (GRCh38, chr5:13,717,404, plus strand): 5'-TTTGGATGAACTGCACAGTGGCATTAAAGTCCGCTTGGTTAAATTCGTAGGGGATATTCC[A>AAGCGGACTTTAATG]CCCCAGGGCACCGAACTTGCGCCTCTCCTGGACAGTGGAGTGCAGGAAAGCCACTGCGTA-3'

ClinVar aggregate classification (germline): Pathogenic (1 of 4 stars; one submission).

Conditions:
Primary ciliary dyskinesia 3. Identifiers: Orphanet 244, MedGen C1837618, MONDO:0012085, OMIM 608644.

Submission:

Myriad Genetics, Inc.
Classification: Pathogenic for Primary ciliary dyskinesia 3. Last evaluated: 2024-05-14. Review status: criteria provided, single submitter. Criteria: Myriad Autosomal Dominant, Autosomal Recessive and X-Linked Classification Criteria (2023). Collection method: clinical testing. Allele origin: unknown.
Comment: NM_001369.2(DNAH5):c.12615_12616ins14(W4206Hfs*2) is expected to be pathogenic in the context of primary ciliary dyskinesia, DNAH5-related. This variant is predicted to lead to an abnormal or absent protein product due to the creation of a premature termination codon in DNAH5, a gene where loss-of-function variants are known to be pathogenic. Please note: this variant was assessed in the context of healthy population screening.